The following is an entry in ClinVar:

NM_001113378.2(FANCI):c.2303T>A (p.Phe768Tyr)

Gene: FANCI (FA complementation group I; plus strand). Cytogenetic location: 15q26.1.
Variant type: single nucleotide variant.
Coding change: c.2303T>A on transcript NM_001113378.2 (MANE Select); coding-DNA position 2303, T replaced by A.
Protein change: p.Phe768Tyr; replaces phenylalanine 768 with tyrosine.
Molecular consequence: missense variant.
Genome position (GRCh38, 1-based): chr15:89,293,844, T>A. VCF-style: chr15-89293844-T-A. GRCh37 (hg19) VCF-style: chr15-89837075-T-A.
Other names: c.2024T>A, p.Phe675Tyr (NM_001376910.1); c.2303T>A, p.Phe768Tyr (NM_001376911.1, NM_018193.3); short protein forms F675Y, F768Y.
Identifiers: ClinVar variation 1903733 (VCV001903733.5), dbSNP rs756498005, ClinGen allele CA7723349.

ClinVar aggregate classification (germline): Uncertain significance. Review status: criteria provided, multiple submitters, no conflicts (2 of 4 stars). 2 submissions from 2 submitters: Uncertain significance (2). Last evaluated 2024-10-09.

Conditions:
Fanconi anemia complementation group I (FANCI). Also called: FANCI-Related Fanconi Anemia. Identifiers: Orphanet 84, MedGen C1836861, MONDO:0012186, OMIM 609053.
Fanconi anemia (FA). Also called: Fanconi's anemia. Identifiers: Orphanet 84, MedGen C0015625, MeSH D005199, MONDO:0019391.

Allele frequency attached by ClinVar (database versions not stated): gnomAD exomes 0.00001; TOPMed 0.00001; ExAC 0.00002.
gnomAD v4.1: 7 of 1,614,018 alleles (0.00043%); highest among the groups gnomAD compares: East Asian, 0.011%; no homozygotes.

Submissions (2):

Labcorp Genetics (formerly Invitae), Labcorp
Classification: Uncertain significance for Fanconi anemia. Last evaluated: 2024-10-09. Review status: criteria provided, single submitter. Criteria: Invitae Variant Classification Sherloc (09022015). Collection method: clinical testing. Allele origin: germline.
Comment: This sequence change replaces phenylalanine, which is neutral and non-polar, with tyrosine, which is neutral and polar, at codon 768 of the FANCI protein (p.Phe768Tyr). This variant is present in population databases (rs756498005, gnomAD 0.03%). This variant has not been reported in the literature in individuals affected with FANCI-related conditions. ClinVar contains an entry for this variant (Variation ID: 1903733). Invitae Evidence Modeling of protein sequence and biophysical properties (such as structural, functional, and spatial information, amino acid conservation, physicochemical variation, residue mobility, and thermodynamic stability) indicates that this missense variant is expected to disrupt FANCI protein function with a positive predictive value of 80%. In summary, the available evidence is currently insufficient to determine the role of this variant in disease. Therefore, it has been classified as a Variant of Uncertain Significance.

Fulgent Genetics
Classification: Uncertain significance for Fanconi anemia complementation group I. Last evaluated: 2024-01-23. Review status: criteria provided, single submitter. Criteria: ACMG Guidelines, 2015. Collection method: clinical testing. Allele origin: germline.